The following is an entry in ClinVar:

ClinVar aggregate classification (germline): Uncertain significance. Review status: criteria provided, multiple submitters, no conflicts (2 of 4 stars). 3 submissions from 3 submitters: Uncertain significance (3). Last evaluated 2025-06-15.

Conditions:
Hereditary cancer-predisposing syndrome. Also called: Tumor predisposition; Hereditary neoplastic syndrome; Neoplastic Syndromes, Hereditary; Hereditary Cancer Syndrome. Identifiers: Orphanet 140162, MedGen C0027672, MeSH D009386, MONDO:0015356.
Endometrial carcinoma. Also called: Endometrial carcinoma, somatic. Identifiers: MedGen C0476089, MONDO:0002447, OMIM 608089, HP:0012114.

Allele frequency attached by ClinVar (database versions not stated): gnomAD exomes below 0.00001; TOPMed 0.00001.
gnomAD v4.1: 1 of 1,610,670 alleles (0.000062%); highest among the groups gnomAD compares: African/African-American, 0.0013%; no homozygotes.

Submissions (3):

Labcorp Genetics (formerly Invitae), Labcorp
Classification: Uncertain significance. Last evaluated: 2025-06-15. Review status: criteria provided, single submitter. Criteria: Invitae Variant Classification Sherloc (09022015). Collection method: clinical testing. Allele origin: germline.
Comment: This sequence change replaces aspartic acid, which is acidic and polar, with histidine, which is basic and polar, at codon 845 of the MSH3 protein (p.Asp845His). This variant is not present in population databases (gnomAD no frequency). This variant has not been reported in the literature in individuals affected with MSH3-related conditions. ClinVar contains an entry for this variant (Variation ID: 665499). An algorithm developed to predict the effect of missense changes on protein structure and function (PolyPhen-2) suggests that this variant is likely to be tolerated. In summary, the available evidence is currently insufficient to determine the role of this variant in disease. Therefore, it has been classified as a Variant of Uncertain Significance.

Ambry Genetics
Classification: Uncertain significance for Hereditary cancer-predisposing syndrome. Last evaluated: 2024-05-19. Review status: criteria provided, single submitter. Criteria: Ambry Variant Classification Scheme 2023. Collection method: clinical testing. Allele origin: germline.
Comment: The p.D845H variant (also known as c.2533G>C), located in coding exon 18 of the MSH3 gene, results from a G to C substitution at nucleotide position 2533. The aspartic acid at codon 845 is replaced by histidine, an amino acid with similar properties. This amino acid position is conserved. In addition, this alteration is predicted to be tolerated by in silico analysis. Based on the available evidence, the clinical significance of this variant remains unclear.

Baylor Genetics
Classification: Uncertain significance for Endometrial carcinoma. Last evaluated: 2023-10-10. Review status: criteria provided, single submitter. Criteria: ACMG Guidelines, 2015. Collection method: clinical testing. Allele origin: unknown.

NM_002439.5(MSH3):c.2533G>C (p.Asp845His)

Gene: MSH3 (mutS homolog 3; plus strand). Cytogenetic location: 5q14.1.
Variant type: single nucleotide variant.
Coding change: c.2533G>C on transcript NM_002439.5 (MANE Select); coding-DNA position 2533, G replaced by C.
Protein change: p.Asp845His; replaces aspartic acid 845 with histidine.
Molecular consequence: missense variant.
Genome position (GRCh38, 1-based): chr5:80,787,662, G>C. VCF-style: chr5-80787662-G-C. GRCh37 (hg19) VCF-style: chr5-80083481-G-C.
Other names: c.2533G>C (NM_002439.3); short protein forms D845H.
Identifiers: ClinVar variation 665499 (VCV000665499.10), dbSNP rs1335381574, ClinGen allele CA360283424.